The following is an entry in ClinVar:

ClinVar aggregate classification (germline): Uncertain significance (1 of 4 stars; one submission).

Submission:

Labcorp Genetics (formerly Invitae), Labcorp
Classification: Uncertain significance. Last evaluated: 2025-08-26. Review status: criteria provided, single submitter. Criteria: Invitae Variant Classification Sherloc (09022015). Collection method: clinical testing. Allele origin: germline.
Comment: This variant, c.307_315del, results in the deletion of 3 amino acid(s) of the MNX1 protein (p.Gly103_Gly105del), but otherwise preserves the integrity of the reading frame. The frequency data for this variant in the population databases is considered unreliable, as metrics indicate insufficient coverage at this position in the gnomAD database. This variant has not been reported in the literature in individuals affected with MNX1-related conditions. Experimental studies and prediction algorithms are not available or were not evaluated, and the functional significance of this variant is currently unknown. In summary, the available evidence is currently insufficient to determine the role of this variant in disease. Therefore, it has been classified as a Variant of Uncertain Significance.

NM_005515.4(MNX1):c.298GGC[3] (p.Gly103_Gly105del)

Gene: MNX1 (motor neuron and pancreas homeobox 1; minus strand). Cytogenetic location: 7q36.3.
Variant type: Microsatellite.
Coding change: c.298GGC[3] on transcript NM_005515.4 (MANE Select); three copies in a row of the 3-base unit GGC starting at c.298; the reference has six copies in a row; three copies, 9 bases deleted.
Protein change: p.Gly103_Gly105del.
Molecular consequence: inframe deletion.
Genome position (GRCh38, 1-based): chr7:157,010,036-157,010,044, GCCGCCGCC deleted on the plus strand (GGCGGCGGC on the coding strand, the reverse complement: MNX1 is on the minus strand); deleting any 9 consecutive bases within chr7:157,010,036-157,010,053 gives the same sequence; the position shown is the placement nearest the transcript's 3' end. VCF-style (leftmost placement, unchanged base first): chr7-157010035-TGCCGCCGCC-T. GRCh37 (hg19) VCF-style: chr7-156802729-TGCCGCCGCC-T.
Identifiers: ClinVar variation 2192065 (VCV002192065.4), dbSNP rs757330807, ClinGen allele CA169870944.